The following is an entry in ClinVar:

NM_001330588.2(TPP2):c.495+13C>A

Gene: TPP2 (tripeptidyl peptidase 2; plus strand). Cytogenetic location: 13q33.1.
Variant type: single nucleotide variant.
Coding change: c.495+13C>A on transcript NM_001330588.2 (MANE Select); 13 bases into the intron after coding-DNA position 495, C replaced by A.
Molecular consequence: intron variant.
Genome position (GRCh38, 1-based): chr13:102,616,513, C>A. VCF-style: chr13-102616513-C-A. GRCh37 (hg19) VCF-style: chr13-103268863-C-A.
Other names: c.495+13C>A (NM_001367947.1, NM_003291.4).
Identifiers: ClinVar variation 2089948 (VCV002089948.4), dbSNP rs557799155, ClinGen allele CA2580087029.

ClinVar aggregate classification (germline): Uncertain significance (1 of 4 stars; one submission).

Conditions:
Evans syndrome, immunodeficiency, and premature immunosenescence associated with tripeptidyl-peptidase II deficiency. Identifiers: MedGen CN231723. Disease mechanism: loss of function.

Submission:

Labcorp Genetics (formerly Invitae), Labcorp
Classification: Uncertain significance for Evans syndrome, immunodeficiency, and premature immunosenescence associated with tripeptidyl-peptidase II deficiency. Last evaluated: 2022-05-30. Review status: criteria provided, single submitter. Criteria: Invitae Variant Classification Sherloc (09022015). Collection method: clinical testing. Allele origin: germline.
Comment: This variant is not present in population databases (gnomAD no frequency). This variant has not been reported in the literature in individuals affected with TPP2-related conditions. Algorithms developed to predict the effect of sequence changes on RNA splicing suggest that this variant may create or strengthen a splice site. This sequence change falls in intron 4 of the TPP2 gene. It does not directly change the encoded amino acid sequence of the TPP2 protein. In summary, the available evidence is currently insufficient to determine the role of this variant in disease. Therefore, it has been classified as a Variant of Uncertain Significance.